The following is an entry in ClinVar:

ClinVar aggregate classification (germline): Uncertain significance (1 of 4 stars; one submission).

gnomAD v4.1: 42 of 1,613,216 alleles (0.0026%); highest among the groups gnomAD compares: Admixed American, 0.01%; no homozygotes.

Submission:

Mayo Clinic Laboratories, Mayo Clinic
Classification: Uncertain significance. Last evaluated: 2025-02-22. Review status: criteria provided, single submitter. Criteria: ACMG Guidelines, 2015. Collection method: clinical testing. Allele origin: germline. Observed: 1 variant allele.
Comment: PM2_supporting

NM_007098.4(CLTCL1):c.3618C>A (p.Tyr1206Ter)

Gene: CLTCL1 (clathrin heavy chain like 1; minus strand). Cytogenetic location: 22q11.21.
Variant type: single nucleotide variant.
Coding change: c.3618C>A on transcript NM_007098.4 (MANE Select); coding-DNA position 3618, C replaced by A.
Protein change: p.Tyr1206Ter; replaces tyrosine 1206 with a stop codon.
Molecular consequence: nonsense.
Genome position (GRCh38, 1-based): chr22:19,201,476, G>T on the plus strand (C>A on the coding strand, the complement: CLTCL1 is on the minus strand). VCF-style: chr22-19201476-G-T. GRCh37 (hg19) VCF-style: chr22-19188987-G-T.
Other names: p.Tyr1206*; c.3618C>A, p.Tyr1206Ter (NM_001835.4); short protein forms Y1206*.
Identifiers: ClinVar variation 4542425 (VCV004542425.1).